The following is an entry in ClinVar:

ClinVar aggregate classification (germline): Uncertain significance (1 of 4 stars; one submission).

Submission:

Labcorp Genetics (formerly Invitae), Labcorp
Classification: Uncertain significance. Last evaluated: 2021-12-16. Review status: criteria provided, single submitter. Criteria: Invitae Variant Classification Sherloc (09022015). Collection method: clinical testing. Allele origin: germline.
Comment: In summary, the available evidence is currently insufficient to determine the role of this variant in disease. Therefore, it has been classified as a Variant of Uncertain Significance. This variant has not been reported in the literature in individuals affected with ARMC9-related conditions. This variant is a gross deletion of the genomic region encompassing exon(s) 21 of the ARMC9 gene. This is also known as a deletion of exon(s) 22 when the first non-coding exon is represented as exon 1. However, it is currently unclear if variants that occur in this region of the gene cause disease.

NC_000002.11:g.(?_232220490)_(232220666_?)del

Gene: ARMC9 (armadillo repeat containing 9; plus strand). Cytogenetic location: 2q37.1.
Variant type: Deletion.
Identifiers: ClinVar variation 1410394 (VCV001410394.5).